The following is an entry in ClinVar:

NM_017534.6(MYH2):c.559G>A (p.Val187Met)

Genes: MYHAS (myosin heavy chain gene cluster antisense RNA; plus strand), MYH2 (myosin heavy chain 2; minus strand), LOC126862501 (CDK7 strongly-dependent group 2 enhancer GRCh37_chr17:10446256-10447455; plus strand). Cytogenetic location: 17p13.1.
Variant type: single nucleotide variant.
Coding change: c.559G>A on transcript NM_017534.6 (MANE Select); coding-DNA position 559, G replaced by A.
Protein change: p.Val187Met; replaces valine 187 with methionine.
Molecular consequence: missense variant.
Genome position (GRCh38, 1-based): chr17:10,543,991, C>T on the plus strand (G>A on the coding strand, the complement: MYH2 is on the minus strand). VCF-style: chr17-10543991-C-T. GRCh37 (hg19) VCF-style: chr17-10447308-C-T.
Other names: c.559G>A, p.Val187Met (NM_001100112.2); short protein forms V187M.
Identifiers: ClinVar variation 2735659 (VCV002735659.3), dbSNP rs2508469976, ClinGen allele CA398169984.

ClinVar aggregate classification (germline): Uncertain significance (1 of 4 stars; one submission).

Conditions:
Myopathy, proximal, and ophthalmoplegia (CMYO6). Also called: INCLUSION BODY MYOPATHY 3, AUTOSOMAL DOMINANT; CONGENITAL MYOPATHY 6 WITH OPHTHALMOPLEGIA; MYOPATHY WITH CONGENITAL JOINT CONTRACTURES, OPHTHALMOPLEGIA, AND RIMMED VACUOLES. Identifiers: Orphanet 363677, Orphanet 79091, MedGen C1854106, MONDO:0011577, OMIM 605637.

Submission:

Labcorp Genetics (formerly Invitae), Labcorp
Classification: Uncertain significance for Myopathy, proximal, and ophthalmoplegia. Last evaluated: 2023-09-29. Review status: criteria provided, single submitter. Criteria: Invitae Variant Classification Sherloc (09022015). Collection method: clinical testing. Allele origin: germline.
Comment: This sequence change replaces valine, which is neutral and non-polar, with methionine, which is neutral and non-polar, at codon 187 of the MYH2 protein (p.Val187Met). This variant is not present in population databases (gnomAD no frequency). This variant has not been reported in the literature in individuals affected with MYH2-related conditions. Advanced modeling of protein sequence and biophysical properties (such as structural, functional, and spatial information, amino acid conservation, physicochemical variation, residue mobility, and thermodynamic stability) performed at Invitae indicates that this missense variant is expected to disrupt MYH2 protein function. In summary, the available evidence is currently insufficient to determine the role of this variant in disease. Therefore, it has been classified as a Variant of Uncertain Significance.